The following is an entry in ClinVar:

NM_182961.4(SYNE1):c.7141G>T (p.Ala2381Ser)

Gene: SYNE1 (spectrin repeat containing nuclear envelope protein 1; minus strand). Cytogenetic location: 6q25.2.
Variant type: single nucleotide variant.
Coding change: c.7141G>T on transcript NM_182961.4 (MANE Select); coding-DNA position 7141, G replaced by T.
Protein change: p.Ala2381Ser; replaces alanine 2381 with serine.
Molecular consequence: missense variant.
Genome position (GRCh38, 1-based): chr6:152,399,712, C>A on the plus strand (G>T on the coding strand, the complement: SYNE1 is on the minus strand). VCF-style: chr6-152399712-C-A. GRCh37 (hg19) VCF-style: chr6-152720847-C-A.
Other names: c.7162G>T, p.Ala2388Ser (NM_033071.5); short protein forms A2388S, A2381S.
Identifiers: ClinVar variation 1356899 (VCV001356899.4), dbSNP rs766789322, ClinGen allele CA4057904.

ClinVar aggregate classification (germline): Uncertain significance (1 of 4 stars; one submission).

Conditions:
Autosomal recessive ataxia, Beauce type. Also called: SYNE1-Related Autosomal Recessive Cerebellar Ataxia; SYNE1 Deficiency; Spinocerebellar ataxia, autosomal recessive 8; ATAXIA, RECESSIVE, OF BEAUCE. Identifiers: Orphanet 88644, MedGen C1853116, MONDO:0012549, OMIM 610743.
Emery-Dreifuss muscular dystrophy 4, autosomal dominant (EDMD4). Also called: EMERY-DREIFUSS MUSCULAR DYSTROPHY 4 WITH VARIABLE FEATURES. Identifiers: Orphanet 261, MedGen C2751807, MONDO:0013071, OMIM 612998.

Allele frequency attached by ClinVar (database versions not stated): ExAC 0.00001.
gnomAD v4.1: 4 of 1,614,140 alleles (0.00025%); highest among the groups gnomAD compares: Non-Finnish European, 0.00017%; no homozygotes.

Submission:

Labcorp Genetics (formerly Invitae), Labcorp
Classification: Uncertain significance for Emery-Dreifuss muscular dystrophy 4, autosomal dominant; Autosomal recessive ataxia, Beauce type. Last evaluated: 2025-04-19. Review status: criteria provided, single submitter. Criteria: Invitae Variant Classification Sherloc (09022015). Collection method: clinical testing. Allele origin: germline.
Comment: This sequence change replaces alanine, which is neutral and non-polar, with serine, which is neutral and polar, at codon 2388 of the SYNE1 protein (p.Ala2388Ser). This variant is present in population databases (rs766789322, gnomAD 0.0009%). This missense change has been observed in individual(s) with clinical features of Emery-Dreifuss muscular dystrophy (internal data). ClinVar contains an entry for this variant (Variation ID: 1356899). An algorithm developed to predict the effect of missense changes on protein structure and function (PolyPhen-2) suggests that this variant is likely to be tolerated. In summary, the available evidence is currently insufficient to determine the role of this variant in disease. Therefore, it has been classified as a Variant of Uncertain Significance.